The following is an entry in ClinVar:

ClinVar aggregate classification (germline): Uncertain significance (1 of 4 stars; one submission).

Allele frequency attached by ClinVar (database versions not stated): 1000 Genomes Project 30x 0.00031; 1000 Genomes Project 0.00040; gnomAD 0.00060 and 0.00066; TOPMed 0.00065; ESP Exome Variant Server 0.00069.
gnomAD v4.1: 155 of 1,603,734 alleles (0.0097%); highest among the groups gnomAD compares: African/African-American, 0.2%; no homozygotes.

Submission:

Labcorp Genetics (formerly Invitae), Labcorp
Classification: Uncertain significance. Last evaluated: 2021-09-24. Review status: criteria provided, single submitter. Criteria: Invitae Variant Classification Sherloc (09022015). Collection method: clinical testing. Allele origin: germline.
Comment: This sequence change replaces valine with phenylalanine at codon 80 of the VPS13C protein (p.Val80Phe). The valine residue is moderately conserved and there is a small physicochemical difference between valine and phenylalanine. This variant is present in population databases (rs116290723, ExAC 0.2%). This variant has not been reported in the literature in individuals with VPS13C-related conditions. Algorithms developed to predict the effect of missense changes on protein structure and function are either unavailable or do not agree on the potential impact of this missense change (SIFT: "Deleterious"; PolyPhen-2: "Possibly Damaging"; Align-GVGD: "Class C0"). In summary, the available evidence is currently insufficient to determine the role of this variant in disease. Therefore, it has been classified as a Variant of Uncertain Significance.

NM_020821.3(VPS13C):c.238G>T (p.Val80Phe)

Gene: VPS13C (vacuolar protein sorting 13 homolog C; minus strand). Cytogenetic location: 15q22.2.
Variant type: single nucleotide variant.
Coding change: c.238G>T on transcript NM_020821.3 (MANE Select); coding-DNA position 238, G replaced by T.
Protein change: p.Val80Phe; replaces valine 80 with phenylalanine.
Molecular consequence: missense variant.
Genome position (GRCh38, 1-based): chr15:62,035,002, C>A on the plus strand (G>T on the coding strand, the complement: VPS13C is on the minus strand). VCF-style: chr15-62035002-C-A. GRCh37 (hg19) VCF-style: chr15-62327201-C-A.
Other names: c.238G>T, p.Val80Phe (NM_001018088.3, NM_017684.5, NM_018080.4); short protein forms V80F.
Identifiers: ClinVar variation 1362692 (VCV001362692.5), dbSNP rs116290723, ClinGen allele CA7597627.